The following is an entry in ClinVar:

NM_004525.3(LRP2):c.9719G>A (p.Arg3240Lys)

Gene: LRP2 (LDL receptor related protein 2; minus strand). Cytogenetic location: 2q31.1.
Variant type: single nucleotide variant.
Coding change: c.9719G>A on transcript NM_004525.3 (MANE Select); coding-DNA position 9719, G replaced by A.
Protein change: p.Arg3240Lys; replaces arginine 3240 with lysine.
Molecular consequence: missense variant.
Genome position (GRCh38, 1-based): chr2:169,185,629, C>T on the plus strand (G>A on the coding strand, the complement: LRP2 is on the minus strand). VCF-style: chr2-169185629-C-T. GRCh37 (hg19) VCF-style: chr2-170042139-C-T.
Other names: short protein forms R3240K.
Identifiers: ClinVar variation 1930094 (VCV001930094.3), dbSNP rs1204138376, ClinGen allele CA349153454.

ClinVar aggregate classification (germline): Uncertain significance. Review status: criteria provided, multiple submitters, no conflicts (2 of 4 stars). 2 submissions from 2 submitters: Uncertain significance (2). Last evaluated 2023-05-09.

Allele frequency attached by ClinVar (database versions not stated): gnomAD exomes below 0.00001.
gnomAD v4.1: 3 of 1,614,196 alleles (0.00019%); highest among the groups gnomAD compares: Non-Finnish European, 0.00025%; no homozygotes.

Submissions (2):

Blueprint Genetics
Classification: Uncertain significance. Last evaluated: 2023-05-09. Review status: criteria provided, single submitter. Criteria: ACMG Guidelines, 2015. Collection method: clinical testing. Allele origin: germline.

Labcorp Genetics (formerly Invitae), Labcorp
Classification: Uncertain significance. Last evaluated: 2022-07-26. Review status: criteria provided, single submitter. Criteria: Invitae Variant Classification Sherloc (09022015). Collection method: clinical testing. Allele origin: germline.
Comment: This sequence change replaces arginine, which is basic and polar, with lysine, which is basic and polar, at codon 3240 of the LRP2 protein (p.Arg3240Lys). This variant is present in population databases (no rsID available, gnomAD 0.0009%). This variant has not been reported in the literature in individuals affected with LRP2-related conditions. Advanced modeling of protein sequence and biophysical properties (such as structural, functional, and spatial information, amino acid conservation, physicochemical variation, residue mobility, and thermodynamic stability) performed at Invitae indicates that this missense variant is not expected to disrupt LRP2 protein function. In summary, the available evidence is currently insufficient to determine the role of this variant in disease. Therefore, it has been classified as a Variant of Uncertain Significance.